The following is an entry in ClinVar:

ClinVar aggregate classification (germline): Pathogenic. Review status: criteria provided, multiple submitters, no conflicts (2 of 4 stars). 2 submissions from 2 submitters: Pathogenic (2). Last evaluated 2025-05-27.

Conditions:
Familial infantile myoclonic epilepsy (FIME). Also called: Epilepsy, Myoclonic, Infantile; TBC1D24-Related Familial Infantile Myoclonic Epilepsy (FIME). Identifiers: Orphanet 352582, MedGen C0917800, MONDO:0011506, OMIM 605021.
Rolandic epilepsy-paroxysmal exercise-induced dystonia-writer's cramp syndrome. Also called: TBC1D24-Related Rolandic Epilepsy with Paroxysmal Exercise-Induced Dystonia and Writer's Cramp (EPRPDC); RE-PED-WC. Identifiers: Orphanet 163727, MedGen C1842531, MONDO:0011970, OMIM 608105.
DOORS syndrome (DOORS). Also called: DRC SYNDROME; BRACHYDACTYLY DUE TO ABSENCE OF DISTAL PHALANGES; ERONEN SYNDROME; DOOR SYNDROME; Digitorenocerebral syndrome; DOORS Syndrome (Deafness, Onychodystrophy, Osteodystrophy, Mental Retardation, and Seizures). Identifiers: Orphanet 3231, Orphanet 79500, MedGen C0795934, MONDO:0009079, OMIM 220500. Disease mechanism: loss of function.
Developmental and epileptic encephalopathy, 16 (DEE16). Also called: Early infantile epileptic encephalopathy 16; TBC1D24-Related Developmental and Epileptic Encephalopathy (DEE). Identifiers: Orphanet 293181, Orphanet 352596, MedGen C3809173, MONDO:0014133, OMIM 615338.
Developmental and epileptic encephalopathy, 1 (DEE1). Also called: X-linked infantile spasms; West's syndrome; Tonic spasms with clustering, arrest of psychomotor development and hypsarrhythmia on EEG; X-Linked Infantile Spasm Syndrome; OHTAHARA SYNDROME, X-LINKED; Epileptic encephalopathy, early infantile, 1. Identifiers: MedGen C3463992, MONDO:0010632, OMIM 308350. Disease mechanism: loss of function.
Autosomal dominant nonsyndromic hearing loss 65. Also called: Deafness, autosomal dominant 65; TBC1D24-Related Autosomal Dominant Nonsyndromic Hearing Loss (DFNA). Identifiers: Orphanet 90635, MedGen C3892048, MONDO:0014470, OMIM 616044.

Submissions (2):

Labcorp Genetics (formerly Invitae), Labcorp
Classification: Pathogenic for Developmental and epileptic encephalopathy, 1; Autosomal dominant nonsyndromic hearing loss 65. Last evaluated: 2025-05-27. Review status: criteria provided, single submitter. Criteria: Invitae Variant Classification Sherloc (09022015). Collection method: clinical testing. Allele origin: germline.
Comment: This sequence change creates a premature translational stop signal (p.Trp215Glufs*18) in the TBC1D24 gene. It is expected to result in an absent or disrupted protein product. Loss-of-function variants in TBC1D24 are known to be pathogenic (PMID: 23526554, 24291220). This variant is not present in population databases (gnomAD no frequency). This variant has not been reported in the literature in individuals affected with TBC1D24-related conditions. ClinVar contains an entry for this variant (Variation ID: 1071941). For these reasons, this variant has been classified as Pathogenic.

New York Genome Center
Classification: Pathogenic for Familial infantile myoclonic epilepsy; Rolandic epilepsy-paroxysmal exercise-induced dystonia-writer's cramp syndrome; DOORS syndrome; Developmental and epileptic encephalopathy, 16. Last evaluated: 2021-07-30. Review status: criteria provided, single submitter. Criteria: NYGC Assertion Criteria 2020. Collection method: clinical testing. Allele origin: germline. Observed: 1 heterozygote. Study: CSER-NYCKidSeq.

Literature cited by the submitters: PubMed 23526554 (cited by Labcorp Genetics (formerly Invitae), Labcorp); PubMed 24291220 (cited by Labcorp Genetics (formerly Invitae), Labcorp).

NM_001199107.2(TBC1D24):c.642_793del (p.Trp215fs)

Gene: TBC1D24 (TBC1 domain family member 24; plus strand). Cytogenetic location: 16p13.3.
Variant type: Deletion.
Coding change: c.642_793del on transcript NM_001199107.2 (MANE Select); coding-DNA positions 642 to 793, 152 bases deleted.
Protein change: p.Trp215fs; shifts the reading frame from tryptophan 215.
Molecular consequence: frameshift variant.
Genome position (GRCh38, 1-based): chr16:2,496,790-2,496,941, 152 bases deleted. GRCh37 (hg19): chr16:2,546,791-2,546,942.
Other names: c.642_793del, p.Trp215fs (NM_020705.3); short protein forms W215fs.
Identifiers: ClinVar variation 1071941 (VCV001071941.9), dbSNP rs2141872119, ClinGen allele CA2499223458.